The following is an entry in ClinVar:

ClinVar aggregate classification (germline): Likely pathogenic (1 of 4 stars; one submission).

Submission:

Labcorp Genetics (formerly Invitae), Labcorp
Classification: Likely pathogenic. Last evaluated: 2023-08-19. Review status: criteria provided, single submitter. Criteria: Invitae Variant Classification Sherloc (09022015). Collection method: clinical testing. Allele origin: germline.
Comment: In summary, the currently available evidence indicates that the variant is pathogenic, but additional data are needed to prove that conclusively. Therefore, this variant has been classified as Likely Pathogenic. Algorithms developed to predict the effect of sequence changes on RNA splicing suggest that this variant may disrupt the consensus splice site. This variant has not been reported in the literature in individuals affected with LAMA3-related conditions. This variant is not present in population databases (gnomAD no frequency). This sequence change affects an acceptor splice site in intron 17 of the LAMA3 gene. It is expected to disrupt RNA splicing. Variants that disrupt the donor or acceptor splice site typically lead to a loss of protein function (PMID: 16199547), and loss-of-function variants in LAMA3 are known to be pathogenic (PMID: 10366601, 11810295, 12915477, 16473856, 17362460, 22434185, 23869449, 27827380, 28087116).

Literature cited by the submitters: PubMed 16199547; PubMed 10366601; PubMed 11810295; PubMed 12915477; PubMed 16473856; PubMed 17362460; PubMed 22434185; PubMed 23869449; PubMed 27827380; PubMed 28087116.

NM_198129.4(LAMA3):c.7016-1G>A

Gene: LAMA3 (laminin subunit alpha 3; plus strand). Cytogenetic location: 18q11.2.
Variant type: single nucleotide variant.
Coding change: c.7016-1G>A on transcript NM_198129.4 (MANE Select); the canonical splice acceptor site of the intron before coding-DNA position 7016, G replaced by A.
Molecular consequence: splice acceptor variant.
Genome position (GRCh38, 1-based): chr18:23,909,152, G>A. VCF-style: chr18-23909152-G-A. GRCh37 (hg19) VCF-style: chr18-21489116-G-A.
Other names: c.6848-1G>A (NM_001127717.4); c.2189-1G>A (NM_000227.6); c.2021-1G>A (NM_001127718.4).
Identifiers: ClinVar variation 2754016 (VCV002754016.3), dbSNP rs2511440459, ClinGen allele CA402053881.